The following is an entry in ClinVar:

ClinVar aggregate classification (germline): Uncertain significance (1 of 4 stars; one submission).

Conditions:
Cardiovascular phenotype. Identifiers: MedGen CN230736.

Submission:

Ambry Genetics
Classification: Uncertain significance for Cardiovascular phenotype. Last evaluated: 2024-01-29. Review status: criteria provided, single submitter. Criteria: Ambry Variant Classification Scheme 2023. Collection method: clinical testing. Allele origin: germline.
Comment: The p.E292D variant (also known as c.876G>C), located in coding exon 3 of the ALPK3 gene, results from a G to C substitution at nucleotide position 876. The glutamic acid at codon 292 is replaced by aspartic acid, an amino acid with highly similar properties. This amino acid position is conserved. In addition, this alteration is predicted to be tolerated by in silico analysis. Since supporting evidence is limited at this time, the clinical significance of this alteration remains unclear.

NM_020778.5(ALPK3):c.270G>C (p.Glu90Asp)

Gene: ALPK3 (alpha kinase 3; plus strand). Cytogenetic location: 15q25.3.
Variant type: single nucleotide variant.
Coding change: c.270G>C on transcript NM_020778.5 (MANE Select); coding-DNA position 270, G replaced by C.
Protein change: p.Glu90Asp; replaces glutamic acid 90 with aspartic acid.
Molecular consequence: missense variant.
Genome position (GRCh38, 1-based): chr15:84,827,571, G>C. VCF-style: chr15-84827571-G-C. GRCh37 (hg19) VCF-style: chr15-85370802-G-C.
Other names: short protein forms E90D.
Identifiers: ClinVar variation 1764606 (VCV001764606.2), dbSNP rs2505697271, ClinGen allele CA393371042.
Genomic context (GRCh38, chr15:84,827,571, plus strand): 5'-GCTCACAGAGGAGACCCAGCCGCTATTTGAGACCACGCTCAAGTCCCGGTCTGTGTCCGA[G>C]GACAGCGACGTCAGGTTCACCTGCATCGTCACAGGTAAGGATGCTGTCTGTATGCTCCAT-3'
Protein context (NP_065829.4, residues 80-100): ETTLKSRSVS[Glu90Asp]DSDVRFTCIV